The following is an entry in ClinVar:

NM_003888.4(ALDH1A2):c.451G>T (p.Ala151Ser)

Gene: ALDH1A2 (aldehyde dehydrogenase 1 family member A2; minus strand). Cytogenetic location: 15q21.3.
Variant type: single nucleotide variant.
Coding change: c.451G>T on transcript NM_003888.4 (MANE Select); coding-DNA position 451, G replaced by T.
Protein change: p.Ala151Ser; replaces alanine 151 with serine.
Molecular consequence: missense variant.
Genome position (GRCh38, 1-based): chr15:58,010,691, C>A on the plus strand (G>T on the coding strand, the complement: ALDH1A2 is on the minus strand). VCF-style: chr15-58010691-C-A. GRCh37 (hg19) VCF-style: chr15-58302889-C-A.
Other names: c.388G>T, p.Ala130Ser (NM_001206897.2); c.451G>T, p.Ala151Ser (NM_170696.3); c.163G>T, p.Ala55Ser (NM_170697.3); c.451G>T (NM_003888.3); short protein forms A130S, A151S, A55S.
Identifiers: ClinVar variation 1686421 (VCV001686421.4), dbSNP rs115875978, ClinGen allele CA7584088.

ClinVar aggregate classification (germline): Benign. Review status: criteria provided, multiple submitters, no conflicts (2 of 4 stars). 3 submissions from 3 submitters: Benign (2). 1 of the submissions does not count toward it. Last evaluated 2022-05-04.

Conditions:
ALDH1A2-related disorder. Also called: ALDH1A2-related condition.

Allele frequency attached by ClinVar (database versions not stated): ExAC 0.00071; gnomAD 0.00192 and 0.00204; ESP Exome Variant Server 0.00200; 1000 Genomes Project 30x 0.00219; 1000 Genomes Project 0.00260.
gnomAD v4.1: 688 of 1,613,422 alleles (0.043%); highest among the groups gnomAD compares: African/African-American, 0.66%; 4 homozygotes.

Submissions (3):

Mendelics
Classification: Benign. Last evaluated: 2022-05-04. Review status: criteria provided, single submitter. Criteria: Mendelics Assertion Criteria 2019. Collection method: clinical testing. Allele origin: germline.

Breakthrough Genomics
Classification: Benign. Review status: criteria provided, single submitter. Criteria: ACMG Guidelines, 2015. Collection method: not provided. Allele origin: germline. Inheritance: Autosomal recessive inheritance. Affected: yes.

PreventionGenetics, part of Exact Sciences
Classification: Likely benign for ALDH1A2-related condition. Last evaluated: 2019-09-18. Review status: no assertion criteria provided. Collection method: clinical testing. Allele origin: germline. Not counted in ClinVar's aggregate classification.
Comment: This variant is classified as likely benign based on ACMG/AMP sequence variant interpretation guidelines (Richards et al. 2015 PMID: 25741868, with internal and published modifications).